The following is an entry in ClinVar:

NM_000419.5(ITGA2B):c.146A>T (p.Gln49Leu)

Gene: ITGA2B (integrin subunit alpha 2b; minus strand). Cytogenetic location: 17q21.31.
Variant type: single nucleotide variant.
Coding change: c.146A>T on transcript NM_000419.5 (MANE Select); coding-DNA position 146, A replaced by T.
Protein change: p.Gln49Leu; replaces glutamine 49 with leucine.
Molecular consequence: missense variant.
Genome position (GRCh38, 1-based): chr17:44,389,328, T>A on the plus strand (A>T on the coding strand, the complement: ITGA2B is on the minus strand). VCF-style: chr17-44389328-T-A. GRCh37 (hg19) VCF-style: chr17-42466696-T-A.
Other names: short protein forms Q49L.
Identifiers: ClinVar variation 2891915 (VCV002891915.3), dbSNP rs1598385177, ClinGen allele CA399806849.
Genomic context (GRCh38, chr17:44,389,328, plus strand): 5'-ACTTCCCTTACGGCTCACCTCCCATGGCTGTCCTTGTGGAAGTCCAGTGAAAATCCAAAC[T>A]GGCTGCCATTGGGGCCTGCATAGAAGGTGAGCTGCACTGGGTCCAGGTTCAAGGCCCAGG-3'
Protein context (NP_000410.2, residues 39-59): LTFYAGPNGS[Gln49Leu]FGFSLDFHKD

ClinVar aggregate classification (germline): Uncertain significance (1 of 4 stars; one submission).

Conditions:
Glanzmann thrombasthenia. Also called: Glanzmann's thrombasthenia; BLEEDING DISORDER, PLATELET-TYPE, 2; THROMBASTHENIA OF GLANZMANN AND NAEGELI; Thrombasthenia; PLATELET GLYCOPROTEIN IIb-IIIa DEFICIENCY. Identifiers: Orphanet 849, MedGen C0040015, MONDO:0100326.

gnomAD v4.1: 4 of 1,614,122 alleles (0.00025%); no homozygotes.

Submission:

Labcorp Genetics (formerly Invitae), Labcorp
Classification: Uncertain significance for Glanzmann thrombasthenia. Last evaluated: 2023-11-28. Review status: criteria provided, single submitter. Criteria: Invitae Variant Classification Sherloc (09022015). Collection method: clinical testing. Allele origin: germline.
Comment: This sequence change replaces glutamine, which is neutral and polar, with leucine, which is neutral and non-polar, at codon 49 of the ITGA2B protein (p.Gln49Leu). This variant is not present in population databases (gnomAD no frequency). This variant has not been reported in the literature in individuals affected with ITGA2B-related conditions. Advanced modeling of protein sequence and biophysical properties (such as structural, functional, and spatial information, amino acid conservation, physicochemical variation, residue mobility, and thermodynamic stability) performed at Invitae indicates that this missense variant is not expected to disrupt ITGA2B protein function with a negative predictive value of 80%. In summary, the available evidence is currently insufficient to determine the role of this variant in disease. Therefore, it has been classified as a Variant of Uncertain Significance.